The following is an entry in ClinVar:

NM_001042492.3(NF1):c.6267_6273del (p.Phe2090fs)

Gene: NF1 (neurofibromin 1; plus strand). Cytogenetic location: 17q11.2.
Variant type: Deletion.
Coding change: c.6267_6273del on transcript NM_001042492.3 (MANE Select); coding-DNA positions 6267 to 6273, 7 bases deleted (CTTCAAC; older notation c.6267_6273delCTTCAAC).
Protein change: p.Phe2090fs; shifts the reading frame from phenylalanine 2090.
Molecular consequence: frameshift variant.
Genome position (GRCh38, 1-based): chr17:31,336,754-31,336,760, CTTCAAC deleted; deleting any 7 consecutive bases within chr17:31,336,753-31,336,760 gives the same sequence; the c. name uses the placement nearest the transcript's 3' end. VCF-style (leftmost placement, unchanged base first): chr17-31336752-TCCTTCAA-T. GRCh37 (hg19) VCF-style: chr17-29663770-TCCTTCAA-T.
Other names: c.6204_6210delCTTCAAC (NM_000267.3); c.6204_6210delCTTCAAC, p.Phe2069Ilefs (NM_000267.4); short protein forms F2090fs, F2069fs.
Identifiers: ClinVar variation 3404812 (VCV003404812.1).

ClinVar aggregate classification (germline): Pathogenic (1 of 4 stars; one submission).

Conditions:
Hereditary cancer-predisposing syndrome. Also called: Hereditary Cancer Syndrome; Tumor predisposition; Hereditary neoplastic syndrome; Neoplastic Syndromes, Hereditary. Identifiers: Orphanet 140162, MedGen C0027672, MeSH D009386, MONDO:0015356.
Cardiovascular phenotype. Identifiers: MedGen CN230736.

Submission:

Ambry Genetics
Classification: Pathogenic for Cardiovascular phenotype; Hereditary cancer-predisposing syndrome. Last evaluated: 2024-10-25. Review status: criteria provided, single submitter. Criteria: Ambry Variant Classification Scheme 2023. Collection method: clinical testing. Allele origin: germline.
Comment: The c.6204_6210delCTTCAAC variant, located in coding exon 41 of the NF1 gene, results from a deletion of 7 nucleotides at nucleotide positions 6204 to 6210, causing a translational frameshift with a predicted alternate stop codon (p.F2069Ifs*19). This variant is considered to be rare based on population cohorts in the Genome Aggregation Database (gnomAD). This alteration is expected to result in loss of function by premature protein truncation or nonsense-mediated mRNA decay. As such, this alteration is interpreted as a disease-causing mutation.